The following is an entry in ClinVar:

NM_012431.3(SEMA3E):c.2315C>T (p.Thr772Met)

Gene: SEMA3E (semaphorin 3E; minus strand). Cytogenetic location: 7q21.11.
Variant type: single nucleotide variant.
Coding change: c.2315C>T on transcript NM_012431.3 (MANE Select); coding-DNA position 2315, C replaced by T.
Protein change: p.Thr772Met; replaces threonine 772 with methionine.
Molecular consequence: missense variant.
Genome position (GRCh38, 1-based): chr7:83,367,599, G>A on the plus strand (C>T on the coding strand, the complement: SEMA3E is on the minus strand). VCF-style: chr7-83367599-G-A. GRCh37 (hg19) VCF-style: chr7-82996915-G-A.
Other names: c.2315C>T (NM_012431.2); c.2135C>T, p.Thr712Met (NM_001178129.2); short protein forms T712M, T772M.
Identifiers: ClinVar variation 2714884 (VCV002714884.5), dbSNP rs766002060, ClinGen allele CA4321786.
Genomic context (GRCh38, chr7:83,367,599, plus strand): 5'-CTTTCCAAATATAAATTCTTCAAAAGACAGTAGATAGTCTCACCCCATCAGGAGTCCAGC[G>A]TGTGCCTGGGCAGGCGGTAATGCTCAGGTTTGGAACGGAGCTTCTTTTCCTGAGGGTTGG-3'
Protein context (NP_036563.1, residues 762-775): KPEHYRLPRH[Thr772Met]LDS

ClinVar aggregate classification (germline): Uncertain significance. Review status: criteria provided, multiple submitters, no conflicts (2 of 4 stars). 2 submissions from 2 submitters: Uncertain significance (2). Last evaluated 2026-02-12.

Conditions:
SEMA3E-related disorder. Also called: SEMA3E-related condition.
CHARGE syndrome (CHARGE). Also called: Hittner Hirsch Kreh syndrome; CHARGE ASSOCIATION--COLOBOMA, HEART ANOMALY, CHOANAL ATRESIA, RETARDATION, GENITAL AND EAR ANOMALIES; Coloboma, heart anomaly, choanal atresia, retardation, genital and ear anomalies; CHARGE association; Hall-Hittner syndrome. Identifiers: Orphanet 138, MedGen C0265354, MONDO:0008965.

Allele frequency attached by ClinVar (database versions not stated): ExAC 0.00004.
gnomAD v4.1: 18 of 1,614,004 alleles (0.0011%); highest among the groups gnomAD compares: Admixed American, 0.013%; no homozygotes.

Submissions (2):

PreventionGenetics, part of Exact Sciences
Classification: Uncertain significance for SEMA3E-related condition. Last evaluated: 2026-02-12. Review status: criteria provided, single submitter. Criteria: ACMG Guidelines, 2015. Collection method: clinical testing. Allele origin: germline.
Comment: The SEMA3E c.2315C>T variant is predicted to result in the amino acid substitution p.Thr772Met. To our knowledge, this variant has not been reported in the literature. This variant is reported in 0.026% of alleles in individuals of Latino descent in gnomAD. At this time, the clinical significance of this variant is uncertain due to the absence of conclusive functional and genetic evidence.

Labcorp Genetics (formerly Invitae), Labcorp
Classification: Uncertain significance for CHARGE syndrome. Last evaluated: 2026-01-24. Review status: criteria provided, single submitter. Criteria: Invitae Variant Classification Sherloc (09022015). Collection method: clinical testing. Allele origin: germline.
Comment: This sequence change replaces threonine, which is neutral and polar, with methionine, which is neutral and non-polar, at codon 772 of the SEMA3E protein (p.Thr772Met). This variant is present in population databases (rs766002060, gnomAD 0.02%). This variant has not been reported in the literature in individuals affected with SEMA3E-related conditions. ClinVar contains an entry for this variant (Variation ID: 2714884). An algorithm developed to predict the effect of missense changes on protein structure and function (PolyPhen-2) suggests that this variant is likely to be tolerated. In summary, the available evidence is currently insufficient to determine the role of this variant in disease. Therefore, it has been classified as a Variant of Uncertain Significance.